The following is an entry in ClinVar:

NM_000088.4(COL1A1):c.310G>A (p.Asp104Asn)

Gene: COL1A1 (collagen type I alpha 1 chain; minus strand). Cytogenetic location: 17q21.33.
Variant type: single nucleotide variant.
Coding change: c.310G>A on transcript NM_000088.4 (MANE Select); coding-DNA position 310, G replaced by A.
Protein change: p.Asp104Asn; replaces aspartic acid 104 with asparagine.
Molecular consequence: missense variant.
Genome position (GRCh38, 1-based): chr17:50,199,579, C>T on the plus strand (G>A on the coding strand, the complement: COL1A1 is on the minus strand). VCF-style: chr17-50199579-C-T. GRCh37 (hg19) VCF-style: chr17-48276940-C-T.
Other names: short protein forms D104N.
Identifiers: ClinVar variation 3011608 (VCV003011608.3), dbSNP rs1262285067, ClinGen allele CA400227915.

ClinVar aggregate classification (germline): Uncertain significance (1 of 4 stars; one submission).

Conditions:
Osteogenesis imperfecta type I (OI1). Also called: Osteogenesis imperfecta type 1; Lobstein's Disease; OI, TYPE I; OSTEOGENESIS IMPERFECTA TARDA; OSTEOGENESIS IMPERFECTA WITH BLUE SCLERAE; Lobstein disease. Identifiers: Orphanet 216796, Orphanet 666, MedGen C0023931, MONDO:0008146, OMIM 166200. Disease mechanism: loss of function.

Submission:

Labcorp Genetics (formerly Invitae), Labcorp
Classification: Uncertain significance for Osteogenesis imperfecta type I. Last evaluated: 2023-04-17. Review status: criteria provided, single submitter. Criteria: Invitae Variant Classification Sherloc (09022015). Collection method: clinical testing. Allele origin: germline.
Comment: This sequence change replaces aspartic acid, which is acidic and polar, with asparagine, which is neutral and polar, at codon 104 of the COL1A1 protein (p.Asp104Asn). In summary, the available evidence is currently insufficient to determine the role of this variant in disease. Therefore, it has been classified as a Variant of Uncertain Significance. Advanced modeling of protein sequence and biophysical properties (such as structural, functional, and spatial information, amino acid conservation, physicochemical variation, residue mobility, and thermodynamic stability) performed at Invitae indicates that this missense variant is not expected to disrupt COL1A1 protein function. This variant has not been reported in the literature in individuals affected with COL1A1-related conditions. This variant is not present in population databases (gnomAD no frequency).